The following is an entry in ClinVar:

ClinVar aggregate classification (germline): Likely pathogenic. Review status: criteria provided, multiple submitters, no conflicts (2 of 4 stars). 2 submissions from 2 submitters: Likely pathogenic (2). Last evaluated 2025-10-20.

Submissions (2):

Mayo Clinic Laboratories, Mayo Clinic
Classification: Likely pathogenic. Last evaluated: 2025-10-20. Review status: criteria provided, single submitter. Criteria: ACMG Guidelines, 2015. Collection method: clinical testing. Allele origin: germline. Observed: 1 variant allele.
Comment: PM2_supporting, PVS1

Revvity Omics, Revvity
Classification: Likely pathogenic. Last evaluated: 2024-05-14. Review status: criteria provided, single submitter. Criteria: ACMG Guidelines, 2015. Collection method: clinical testing. Allele origin: germline.

NM_001355436.2(SPTB):c.3304C>T (p.Gln1102Ter)

Gene: SPTB (spectrin beta, erythrocytic; minus strand). Cytogenetic location: 14q23.3.
Variant type: single nucleotide variant.
Coding change: c.3304C>T on transcript NM_001355436.2 (MANE Select); coding-DNA position 3304, C replaced by T.
Protein change: p.Gln1102Ter; replaces glutamine 1102 with a stop codon.
Molecular consequence: nonsense.
Genome position (GRCh38, 1-based): chr14:64,786,661, G>A on the plus strand (C>T on the coding strand, the complement: SPTB is on the minus strand). VCF-style: chr14-64786661-G-A. GRCh37 (hg19) VCF-style: chr14-65253379-G-A.
Other names: p.Gln1102*; c.3304C>T, p.Gln1102Ter (NM_001024858.4, NM_001355437.2); short protein forms Q1102*.
Identifiers: ClinVar variation 2690741 (VCV002690741.3), dbSNP rs2503128717, ClinGen allele CA390046792.